The following is an entry in ClinVar:

NM_001206927.2(DNAH8):c.11710C>T (p.Arg3904Cys)

Genes: DNAH8 (dynein axonemal heavy chain 8; plus strand), DNAH8-AS1 (DNAH8 antisense RNA 1; minus strand). Cytogenetic location: 6p21.2.
Variant type: single nucleotide variant.
Coding change: c.11710C>T on transcript NM_001206927.2 (MANE Select); coding-DNA position 11710, C replaced by T.
Protein change: p.Arg3904Cys; replaces arginine 3904 with cysteine.
Molecular consequence: missense variant.
Genome position (GRCh38, 1-based): chr6:38,938,120, C>T. VCF-style: chr6-38938120-C-T. GRCh37 (hg19) VCF-style: chr6-38905896-C-T.
Other names: c.11059C>T, p.Arg3687Cys (NM_001371.4); short protein forms R3687C, R3904C.
Identifiers: ClinVar variation 2155603 (VCV002155603.3), dbSNP rs1167415185, ClinGen allele CA364020964.

ClinVar aggregate classification (germline): Uncertain significance (1 of 4 stars; one submission).

Conditions:
Primary ciliary dyskinesia. Also called: Ciliary dyskinesia. Identifiers: Orphanet 244, MedGen C0008780, MONDO:0016575, HP:0012265.

gnomAD v4.1: 6 of 1,613,964 alleles (0.00037%); highest among the groups gnomAD compares: East Asian, 0.0022%; no homozygotes.

Submission:

Labcorp Genetics (formerly Invitae), Labcorp
Classification: Uncertain significance for Primary ciliary dyskinesia. Last evaluated: 2022-06-23. Review status: criteria provided, single submitter. Criteria: Invitae Variant Classification Sherloc (09022015). Collection method: clinical testing. Allele origin: germline.
Comment: In summary, the available evidence is currently insufficient to determine the role of this variant in disease. Therefore, it has been classified as a Variant of Uncertain Significance. This sequence change replaces arginine, which is basic and polar, with cysteine, which is neutral and slightly polar, at codon 3904 of the DNAH8 protein (p.Arg3904Cys). This variant is not present in population databases (gnomAD no frequency). This variant has not been reported in the literature in individuals affected with DNAH8-related conditions. Algorithms developed to predict the effect of missense changes on protein structure and function are either unavailable or do not agree on the potential impact of this missense change (SIFT: "Deleterious"; PolyPhen-2: "Not Available"; Align-GVGD: "Class C65").